The following is an entry in ClinVar:

NM_001267550.2(TTN):c.88380_88386del (p.Arg29461fs)

Genes: TTN (titin; minus strand), TTN-AS1 (TTN antisense RNA 1; plus strand). Cytogenetic location: 2q31.2.
Variant type: Deletion.
Coding change: c.88380_88386del on transcript NM_001267550.2 (MANE Select); coding-DNA positions 88380 to 88386, 7 bases deleted (CAGAGCT; older notation c.88380_88386delCAGAGCT).
Protein change: p.Arg29461fs; shifts the reading frame from arginine 29461.
Molecular consequence: frameshift variant.
Genome position (GRCh38, 1-based): chr2:178,555,073-178,555,079, AGCTCTG deleted on the plus strand (CAGAGCT on the coding strand, the reverse complement: TTN is on the minus strand); deleting any 7 consecutive bases within chr2:178,555,073-178,555,083 gives the same sequence; the c. name uses the placement nearest the transcript's 3' end. VCF-style (leftmost placement, unchanged base first): chr2-178555072-CAGCTCTG-C. GRCh37 (hg19) VCF-style: chr2-179419799-CAGCTCTG-C.
Other names: c.61185_61191delCAGAGCT (NM_003319.4); c.83457_83463del, p.Arg27820fs (NM_001256850.1); c.61185_61191del, p.Arg20396fs (NM_003319.4); c.80676_80682del, p.Arg26893fs (NM_133378.4); c.61560_61566del, p.Arg20521fs (NM_133432.3); c.61761_61767del, p.Arg20588fs (NM_133437.4); short protein forms R20396fs, R20521fs, R20588fs, R26893fs, R27820fs, R29461fs.
Identifiers: ClinVar variation 4866209 (VCV004866209.1).

ClinVar aggregate classification (germline): Likely pathogenic (1 of 4 stars; one submission).

Conditions:
Cardiovascular phenotype. Identifiers: MedGen CN230736.

Submission:

Ambry Genetics
Classification: Likely pathogenic for Cardiovascular phenotype. Last evaluated: 2026-04-29. Review status: criteria provided, single submitter. Criteria: Ambry Variant Classification Scheme 2023. Collection method: clinical testing. Allele origin: germline.
Comment: The c.61185_61191delCAGAGCT variant, located in coding exon 158 of the TTN gene, results from a deletion of 7 nucleotides at nucleotide positions 61185 to 61191, causing a translational frameshift with a predicted alternate stop codon (p.R20396Afs*51). This exon is located in the A-band region of the N2-B isoform of the titin protein and is constitutively expressed in TTN transcripts (percent spliced in or PSI 100%). This variant is considered to be rare based on population cohorts in the Genome Aggregation Database (gnomAD). This variant is expected to result in loss of function by premature protein truncation or nonsense-mediated mRNA decay. While truncating variants in TTN are present in 1-3% of the general population, truncating variants in the A-band are the most common cause of dilated cardiomyopathy (Herman DS et al. N. Engl. J. Med., 2012 Feb;366:619-28; Roberts AM et al. Sci Transl Med, 2015 Jan;7:270ra6). TTN truncating variants encoded in constitutive exons (PSI >90%) have been found to be significantly associated with DCM regardless of their position in titin (Schafer S et al. Nat. Genet., 2017 01;49:46-53; Akhtar MM et al. Circ Heart Fail, 2020 Oct;13:e006832; Massier M et al. Clin Genet, 2025 Jan). Based on the majority of available evidence to date, this variant is likely to be pathogenic.